The following is an entry in ClinVar:

ClinVar aggregate classification (germline): Uncertain significance (1 of 4 stars; one submission).

Conditions:
Inborn genetic diseases. Identifiers: MedGen C0950123, MeSH D030342.

Submission:

Ambry Genetics
Classification: Uncertain significance for Inborn genetic diseases. Last evaluated: 2023-08-11. Review status: criteria provided, single submitter. Criteria: Ambry Variant Classification Scheme 2023. Collection method: clinical testing. Allele origin: germline.
Comment: The p.E450K variant (also known as c.1348G>A), located in coding exon 10 of the BUB1B gene, results from a G to A substitution at nucleotide position 1348. The glutamic acid at codon 450 is replaced by lysine, an amino acid with similar properties. This amino acid position is conserved. In addition, the in silico prediction for this alteration is inconclusive. Since supporting evidence is limited at this time, the clinical significance of this alteration remains unclear.

NM_001211.6(BUB1B):c.1348G>A (p.Glu450Lys)

Gene: BUB1B (BUB1 mitotic checkpoint serine/threonine kinase B; plus strand). Cytogenetic location: 15q15.1.
Variant type: single nucleotide variant.
Coding change: c.1348G>A on transcript NM_001211.6 (MANE Select); coding-DNA position 1348, G replaced by A.
Protein change: p.Glu450Lys; replaces glutamic acid 450 with lysine.
Molecular consequence: missense variant.
Genome position (GRCh38, 1-based): chr15:40,199,674, G>A. VCF-style: chr15-40199674-G-A. GRCh37 (hg19) VCF-style: chr15-40491875-G-A.
Other names: short protein forms E450K.
Identifiers: ClinVar variation 2585928 (VCV002585928.2), dbSNP rs746475397, ClinGen allele CA391688904.